The following is an entry in ClinVar:

ClinVar aggregate classification (germline): Conflicting classifications of pathogenicity. Review status: criteria provided, conflicting classifications (1 of 4 stars). 12 submissions from 12 submitters: Uncertain significance (11); Likely benign (1). Last evaluated 2026-01-19.

Conditions:
Hereditary nonpolyposis colon cancer (HNPCC). Also called: Hereditary nonpolyposis colorectal cancer; Familial nonpolyposis colon cancer; Hereditary Nonpolyposis Colorectal Cancer Syndrome. Identifiers: Orphanet 443909, MedGen C1333990, MONDO:0018630. Disease mechanism: loss of function.
Prostate cancer. Also called: Malignant tumor of prostate. Identifiers: Orphanet 1331, MedGen C0376358, MONDO:0008315, HP:0012125.
Familial cancer of breast. Also called: BREAST CANCER, FAMILIAL; Hereditary breast cancer; hereditary breast carcinoma. Identifiers: Orphanet 227535, MedGen C0346153, MONDO:0016419, OMIM 114480. Disease mechanism: loss of function.
Bone osteosarcoma. Also called: Osteosarcoma, somatic. Identifiers: Orphanet 668, MedGen C0585442, MONDO:0002629, OMIM 259500.
Colorectal cancer. Also called: Colorectal cancer, somatic; Malignant Colorectal Neoplasm. Identifiers: MedGen C0346629, MONDO:0005575, OMIM 114500.
CHEK2-related cancer predisposition (TPDS4). Also called: TUMOR PREDISPOSITION SYNDROME 4; CANCER PREDISPOSITION SYNDROME, CHEK2-RELATED; CHEK2-related cancer susceptibility. Identifiers: Orphanet 524, MedGen C5882668, MONDO:0700271, OMIM 609265.
Hereditary cancer-predisposing syndrome. Also called: Hereditary Cancer Syndrome; Tumor predisposition; Hereditary neoplastic syndrome; Neoplastic Syndromes, Hereditary. Identifiers: Orphanet 140162, MedGen C0027672, MeSH D009386, MONDO:0015356.

Allele frequency attached by ClinVar (database versions not stated): ExAC 0.00001; gnomAD 0.00004; gnomAD exomes 0.00002; TOPMed 0.00002; ESP Exome Variant Server 0.00008.
gnomAD v4.1: 18 of 1,613,968 alleles (0.0011%); highest among the groups gnomAD compares: South Asian, 0.0022%; no homozygotes.

Submissions (12):

Labcorp Genetics (formerly Invitae), Labcorp
Classification: Uncertain significance for Familial cancer of breast. Last evaluated: 2026-01-19. Review status: criteria provided, single submitter. Criteria: Invitae Variant Classification Sherloc (09022015). Collection method: clinical testing. Allele origin: germline.
Comment: This sequence change replaces aspartic acid, which is acidic and polar, with histidine, which is basic and polar, at codon 134 of the CHEK2 protein (p.Asp134His). This variant is present in population databases (rs372874441, gnomAD 0.004%). This missense change has been observed in individual(s) with colorectal cancer and/or breast cancer (PMID: 28779002, 30730459, 34326862). ClinVar contains an entry for this variant (Variation ID: 128072). An algorithm developed to predict the effect of missense changes on protein structure and function (PolyPhen-2) suggests that this variant is likely to be disruptive. Experimental studies have shown that this missense change does not substantially affect CHEK2 function (PMID: 30851065, 37449874). In summary, the available evidence is currently insufficient to determine the role of this variant in disease. Therefore, it has been classified as a Variant of Uncertain Significance.

Quest Diagnostics Nichols Institute San Juan Capistrano
Classification: Uncertain significance. Last evaluated: 2025-05-15. Review status: criteria provided, single submitter. Criteria: Quest Diagnostics criteria. Collection method: clinical testing. Allele origin: unknown.
Comment: The CHEK2 c.400G>C (p.Asp134His) variant has been reported in the published literature in individuals with colorectal cancer (PMID: 30730459 (2019)) and breast cancer (PMID: 34326862 (2021), 28779002 (2017)). In large scale breast cancer association studies, this variant has been observed in breast cancer cases and reportedly unaffected individuals (PMID: 37449874 (2023), 33471991 (2021), see also LOVD). A yeast-based assay found that this variant had a comparable growth rate to the wild-type (PMID: 30851065 (2019)). The frequency of this variant in the general population (Genome Aggregation Database) is uninformative in the assessment of its pathogenicity. Analysis of this variant using bioinformatics tools for the prediction of the effect of amino acid changes on protein structure and function yielded predictions that this variant is damaging. Based on the available information, we are unable to determine the clinical significance of this variant.

Ambry Genetics
Classification: Uncertain significance for Hereditary cancer-predisposing syndrome. Last evaluated: 2025-02-04. Review status: criteria provided, single submitter. Criteria: Ambry Variant Classification Scheme 2023. Collection method: clinical testing. Allele origin: germline.
Comment: The p.D134H variant (also known as c.400G>C), located in coding exon 2 of the CHEK2 gene, results from a G to C substitution at nucleotide position 400. The aspartic acid at codon 134 is replaced by histidine, an amino acid with similar properties. This alteration has also been reported in at least one subject in a study of 13087 breast cancer cases and 5488 control individuals in the UK (Decker B et al. J Med Genet, 2017 11;54:732-741). This variant was also observed in 1/3251 individuals who met eligibility criteria for hereditary breast and ovarian cancer syndrome (Lerner-Ellis J et al. J Cancer Res Clin Oncol, 2021 Mar;147:871-879). This alteration behaved as functional in an in vivo, yeast-based growth rate assay (Delimitsou A et al. Hum Mutat, 2019 05;40:631-648). This alteration was also reported as functional in a study assessing CHEK2-complementation through quantification of KAP1 phosphorylation and CHK2 autophosphorylation in human RPE1-CHEK2-knockout cells (Stolarova L et al. Clin Cancer Res, 2023 Aug;29:3037-3050). This amino acid position is not well conserved in available vertebrate species. In addition, the in silico prediction for this alteration is inconclusive. Based on the available evidence, the clinical significance of this variant remains unclear.

Myriad Genetics, Inc.
Classification: Likely benign for Familial cancer of breast. Last evaluated: 2025-01-29. Review status: criteria provided, single submitter. Criteria: Myriad Autosomal Dominant, Autosomal Recessive and X-Linked Classification Criteria (2023). Collection method: clinical testing. Allele origin: unknown.
Comment: This variant is considered likely benign. This variant is strongly associated with less severe personal and family histories of cancer, typical for individuals without pathogenic variants in this gene [PMID: 25085752].

Color Diagnostics, LLC DBA Color Health
Classification: Uncertain significance for Hereditary cancer-predisposing syndrome. Last evaluated: 2024-07-08. Review status: criteria provided, single submitter. Criteria: ACMG Guidelines, 2015. Collection method: clinical testing. Allele origin: germline.
Comment: This missense variant replaces aspartic acid with histidine at codon 134 of the CHEK2 protein. Computational prediction suggests that this variant may not impact protein structure and function. Functional studies have shown this variant does not impact CHEK2 protein function in growth complementation assay in yeast nor in a human cell complementation assay (PMID: 30851065, 37449874). This variant has been reported in multiple patients with breast cancer in case-control studies, in 1/13087 cases and 0/5484 controls (PMID: 28779002), 2/60464 cases and 0/53461 controls (PMID: 33471991; Leiden Open Variation Database DB-ID CHEK2_000541), and 7/73048 patient and 2/88658 controls (PMID: 37449874). This variant has been identified in 6/282722 chromosomes in the general population by the Genome Aggregation Database (gnomAD). The available evidence is insufficient to determine the role of this variant in disease conclusively. Therefore, this variant is classified as a Variant of Uncertain Significance.

Baylor Genetics
Classification: Uncertain significance for Familial cancer of breast. Last evaluated: 2023-09-03. Review status: criteria provided, single submitter. Criteria: ACMG Guidelines, 2015. Collection method: clinical testing. Allele origin: unknown.

Fulgent Genetics
Classification: Uncertain significance for Familial cancer of breast; Colorectal cancer; Familial prostate cancer; Bone osteosarcoma; CHEK2-related cancer predisposition. Last evaluated: 2022-03-03. Review status: criteria provided, single submitter. Criteria: ACMG Guidelines, 2015. Collection method: clinical testing. Allele origin: unknown.

MGZ Medical Genetics Center
Classification: Uncertain significance for Familial cancer of breast. Last evaluated: 2022-02-25. Review status: criteria provided, single submitter. Criteria: ACMG Guidelines, 2015. Collection method: clinical testing. Allele origin: germline. Affected: yes. Observed: 1 variant allele.
Comment: ACMG criteria applied: PM2_SUP, PP3, BS3_SUP

Sema4
Classification: Uncertain significance for Hereditary cancer-predisposing syndrome. Last evaluated: 2022-01-19. Review status: criteria provided, single submitter. Criteria: Sema4 Curation Guidelines. Collection method: curation. Allele origin: germline.
Comment: The CHEK2 c.400G>C (p.D134H) variant has been reported in heterozygosity in at least 3 individuals with breast cancer and/or colorectal cancer (PMID: 30730459, 33471991). A yeast growth assay study demonstrated the normal function of the protein (PMID: 30851065). This variant was observed in 6/282722 chromosomes across various populations in the large and broad cohorts of the Genome Aggregation Database (PMID: 32461654). This variant has been reported in ClinVar (Variation ID: 128072). The evidence is insufficient to meet ACMG/AMP criteria for classifying the variant as benign or pathogenic. Thus, the clinical significance of this variant is currently uncertain.

GeneDx
Classification: Uncertain significance. Last evaluated: 2020-03-10. Review status: criteria provided, single submitter. Criteria: GeneDx Variant Classification Process June 2021. Collection method: clinical testing. Allele origin: germline. Affected: yes.
Comment: Observed in an individual with colon cancer (You 2019); Published functional studies demonstrate no damaging effect: normal cell growth after DNA damage (Delimitsou 2019); Not observed at a significant frequency in large population cohorts (Lek 2016); In silico analysis supports that this missense variant does not alter protein structure/function; This variant is associated with the following publications: (PMID: 30730459, 30851065)

Department of Pathology and Laboratory Medicine, Sinai Health System
Classification: Uncertain significance for hereditary nonpolyposis colon cancer. Last evaluated: 2019-10-16. Review status: criteria provided, single submitter. Criteria: ACMG Guidelines, 2015. Collection method: clinical testing. Allele origin: germline. Affected: no.

Mendelics
Classification: Uncertain significance for Familial cancer of breast. Last evaluated: 2018-07-02. Review status: criteria provided, single submitter. Criteria: Mendelics Assertion Criteria 2017. Collection method: clinical testing. Allele origin: unknown.

Literature cited by the submitters: PubMed 28779002 (cited by 4 submitters); PubMed 30730459 (cited by 4 submitters); PubMed 34326862 (cited by Labcorp Genetics (formerly Invitae), Labcorp and Quest Diagnostics Nichols Institute San Juan Capistrano); PubMed 30851065 (cited by 5 submitters); PubMed 37449874 (cited by 4 submitters); PubMed 33471991 (cited by 4 submitters); PubMed 32885271 (cited by Ambry Genetics); PubMed 25085752 (cited by Myriad Genetics, Inc.).

NM_007194.4(CHEK2):c.400G>C (p.Asp134His)

Gene: CHEK2 (checkpoint kinase 2; minus strand). Cytogenetic location: 22q12.1.
Variant type: single nucleotide variant.
Coding change: c.400G>C on transcript NM_007194.4 (MANE Select); coding-DNA position 400, G replaced by C.
Protein change: p.Asp134His; replaces aspartic acid 134 with histidine.
Molecular consequence: missense variant.
Genome position (GRCh38, 1-based): chr22:28,725,287, C>G on the plus strand (G>C on the coding strand, the complement: CHEK2 is on the minus strand). VCF-style: chr22-28725287-C-G. GRCh37 (hg19) VCF-style: chr22-29121275-C-G.
Other names: p.D134H:GAT>CAT; c.529G>C, p.Asp177His (NM_001005735.3); c.-378G>C (NM_001257387.3); c.400G>C, p.Asp134His (NM_001349956.3, NM_145862.3); short protein forms D134H, D177H.
Identifiers: ClinVar variation 128072 (VCV000128072.68), dbSNP rs372874441, ClinGen allele CA288303.